The following is an entry in ClinVar:

ClinVar aggregate classification (germline): Pathogenic. Review status: criteria provided, multiple submitters, no conflicts (2 of 4 stars). 3 submissions from 3 submitters: Pathogenic (2). 1 of the submissions does not count toward it. Last evaluated 2026-08-11.

Conditions:
Tuberous sclerosis syndrome (TSC). Also called: Tuberous Sclerosis Complex; Tuberous sclerosis. Identifiers: Orphanet 805, MedGen C0041341, MONDO:0001734.
Tuberous sclerosis 2 (TSC2). Identifiers: Orphanet 805, MedGen C1860707, MONDO:0013199, OMIM 613254.

Submissions (3):

GeneDx
Classification: Pathogenic. Last evaluated: 2026-08-11. Review status: criteria provided, single submitter. Criteria: GeneDx Variant Classification Process June 2021. Collection method: clinical testing. Allele origin: germline.
Comment: Nonsense variant predicted to result in protein truncation or nonsense mediated decay in a gene for which loss of function is a known mechanism of disease; Not observed at significant frequency in large population cohorts (gnomAD); This variant is associated with the following publications: (PMID: 25525159, 26269718, 21533266, 40745330, 9829910)

Labcorp Genetics (formerly Invitae), Labcorp
Classification: Pathogenic for Tuberous sclerosis 2. Last evaluated: 2023-10-19. Review status: criteria provided, single submitter. Criteria: Invitae Variant Classification Sherloc (09022015). Collection method: clinical testing. Allele origin: germline.
Comment: This sequence change creates a premature translational stop signal (p.Gln1089*) in the TSC2 gene. It is expected to result in an absent or disrupted protein product. Loss-of-function variants in TSC2 are known to be pathogenic (PMID: 10205261, 17304050). This variant is not present in population databases (gnomAD no frequency). This premature translational stop signal has been observed in individual(s) with clinical features of tuberous sclerosis complex (PMID: 9829910). ClinVar contains an entry for this variant (Variation ID: 49589). For these reasons, this variant has been classified as Pathogenic.

Tuberous sclerosis database (TSC2)
No classification provided. Condition: TSC. Review status: no classification provided. Criteria: Tuberous Sclerosis Database Assertion Criteria 2015. Collection method: curation. Allele origin: germline. Affected: yes. Not counted in ClinVar's aggregate classification.

Literature cited by the submitters: PubMed 10205261 (cited by Labcorp Genetics (formerly Invitae), Labcorp); PubMed 17304050 (cited by Labcorp Genetics (formerly Invitae), Labcorp); PubMed 9829910 (cited by Labcorp Genetics (formerly Invitae), Labcorp).

NM_000548.5(TSC2):c.3265C>T (p.Gln1089Ter)

Gene: TSC2 (TSC complex subunit 2; plus strand). Cytogenetic location: 16p13.3.
Variant type: single nucleotide variant.
Coding change: c.3265C>T on transcript NM_000548.5 (MANE Select); coding-DNA position 3265, C replaced by T.
Protein change: p.Gln1089Ter; replaces glutamine 1089 with a stop codon.
Molecular consequence: nonsense.
Genome position (GRCh38, 1-based): chr16:2,079,409, C>T. VCF-style: chr16-2079409-C-T. GRCh37 (hg19) VCF-style: chr16-2129410-C-T.
Other names: c.3133C>T, p.Gln1045Ter (NM_001077183.3, NM_001370404.1); c.3265C>T, p.Gln1089Ter (NM_001114382.3); c.3025C>T, p.Gln1009Ter (NM_001318827.2); c.2989C>T, p.Gln997Ter (NM_001318829.2); c.2533C>T, p.Gln845Ter (NM_001318831.2); c.3166C>T, p.Gln1056Ter (NM_001318832.2); c.3136C>T, p.Gln1046Ter (NM_001363528.2, NM_001370405.1, NM_021055.3); short protein forms Q1089*, Q1056*, Q845*, Q1009*, Q1045*, Q1046*, Q997*.
Identifiers: ClinVar variation 49589 (VCV000049589.7), dbSNP rs45517288, ClinGen allele CA018787.
Genomic context (GRCh38, chr16:2,079,409, plus strand): 5'-GTGACGACAAGCGTGGGAACCGGGACCCGGTCGTTACTAGGCCTGGACTCGGGGGAGCTG[C>T]AGTCCGGCCCGGAGTCGAGGTGACTGCACCTTCCTTTCCTCCGCGCCTGCCAGCCTCGAC-3'